The following is an entry in ClinVar:

NM_000020.3(ACVRL1):c.1142T>C (p.Leu381Pro)

Gene: ACVRL1 (activin A receptor like type 1; plus strand). Cytogenetic location: 12q13.13.
Variant type: single nucleotide variant.
Coding change: c.1142T>C on transcript NM_000020.3 (MANE Select); coding-DNA position 1142, T replaced by C.
Protein change: p.Leu381Pro; replaces leucine 381 with proline.
Molecular consequence: missense variant.
Genome position (GRCh38, 1-based): chr12:51,916,129, T>C. VCF-style: chr12-51916129-T-C. GRCh37 (hg19) VCF-style: chr12-52309913-T-C.
Other names: c.1142T>C, p.Leu381Pro (NM_001077401.2); short protein forms L381P.
Identifiers: ClinVar variation 426025 (VCV000426025.8), dbSNP rs1085307417, ClinGen allele CA384902555.

ClinVar aggregate classification (germline): Likely pathogenic. Review status: criteria provided, single submitter (1 of 4 stars). 2 submissions from 2 submitters: Likely pathogenic (1). 1 of the submissions does not count toward it. Last evaluated 2022-11-29.

Conditions:
Telangiectasia, hereditary hemorrhagic, type 2 (HHT2). Also called: ACVRL1-Related Hereditary Hemorrhagic Telangiectasia; Telangiectasia, hereditary hemorrhagic, type II. Identifiers: Orphanet 774, MedGen C1838163, MONDO:0010880, OMIM 600376. Disease mechanism: loss of function.
Pulmonary hypertension, primary, 1 (PPH1). Also called: Pulmonary hypertension, familial primary, 1, with or without HHT. Identifiers: Orphanet 422, MedGen C4552070, MONDO:0024533, OMIM 178600.

Submissions (2):

Labcorp Genetics (formerly Invitae), Labcorp
Classification: Likely pathogenic for Telangiectasia, hereditary hemorrhagic, type 2. Last evaluated: 2022-11-29. Review status: criteria provided, single submitter. Criteria: Invitae Variant Classification Sherloc (09022015). Collection method: clinical testing. Allele origin: germline.
Comment: This missense change has been observed in individuals with pulmonary arterial hypertension or hereditary hemorrhagic telangiectasia (PMID: 18159113, 20501893). In summary, the currently available evidence indicates that the variant is pathogenic, but additional data are needed to prove that conclusively. Therefore, this variant has been classified as Likely Pathogenic. Experimental studies have shown that this missense change affects ACVRL1 function (PMID: 20501893). Advanced modeling of protein sequence and biophysical properties (such as structural, functional, and spatial information, amino acid conservation, physicochemical variation, residue mobility, and thermodynamic stability) performed at Invitae indicates that this missense variant is expected to disrupt ACVRL1 protein function. ClinVar contains an entry for this variant (Variation ID: 426025). This variant is not present in population databases (gnomAD no frequency). This sequence change replaces leucine, which is neutral and non-polar, with proline, which is neutral and non-polar, at codon 381 of the ACVRL1 protein (p.Leu381Pro).

Rare Disease Genomics Group, St George's University of London
Classification: Pathogenic for Primary pulmonary hypertension. Review status: no assertion criteria provided. Collection method: literature only. Allele origin: germline. Affected: yes. Not counted in ClinVar's aggregate classification.

Literature cited by the submitters: PubMed 18159113 (cited by Labcorp Genetics (formerly Invitae), Labcorp and Rare Disease Genomics Group, St George's University of London); PubMed 20501893 (cited by Labcorp Genetics (formerly Invitae), Labcorp).